The following is an entry in ClinVar:

NM_000051.4(ATM):c.1468A>G (p.Ile490Val)

Gene: ATM (ATM serine/threonine kinase; plus strand). Cytogenetic location: 11q22.3.
Variant type: single nucleotide variant.
Coding change: c.1468A>G on transcript NM_000051.4 (MANE Select); coding-DNA position 1468, A replaced by G.
Protein change: p.Ile490Val; replaces isoleucine 490 with valine.
Molecular consequence: missense variant.
Genome position (GRCh38, 1-based): chr11:108,250,933, A>G. VCF-style: chr11-108250933-A-G. GRCh37 (hg19) VCF-style: chr11-108121660-A-G.
Other names: c.1468A>G, p.Ile490Val (NM_001351834.2); short protein forms I490V.
Identifiers: ClinVar variation 236673 (VCV000236673.22), dbSNP rs761850075, ClinGen allele CA6264818.

ClinVar aggregate classification (germline): Conflicting classifications of pathogenicity. Review status: criteria provided, conflicting classifications (1 of 4 stars). 6 submissions from 6 submitters: Uncertain significance (3); Likely benign (2). 1 of the submissions does not count toward it. Last evaluated 2026-02-01.

Conditions:
Familial cancer of breast. Also called: Hereditary breast cancer; BREAST CANCER, FAMILIAL; hereditary breast carcinoma. Identifiers: Orphanet 227535, MedGen C0346153, MONDO:0016419, OMIM 114480. Disease mechanism: loss of function.
ATM-related cancer predisposition. Also called: ATM-related cancer susceptibility. Identifiers: MedGen CN377759, MONDO:0700270.
Hereditary cancer-predisposing syndrome. Also called: Hereditary neoplastic syndrome; Neoplastic Syndromes, Hereditary; Hereditary Cancer Syndrome; Tumor predisposition. Identifiers: Orphanet 140162, MedGen C0027672, MeSH D009386, MONDO:0015356.
Ataxia-telangiectasia syndrome (AT). Also called: Ataxia telangiectasia (A-T); Cerebello-oculocutaneous telangiectasia; Immunodeficiency with ataxia telangiectasia; Ataxia-telangiectasia; Ataxia-telangiectasia, complementation group D; AT, COMPLEMENTATION GROUP C. Identifiers: Orphanet 100, MedGen C0004135, MONDO:0008840, OMIM 208900.

Allele frequency attached by ClinVar (database versions not stated): gnomAD exomes below 0.00001; ExAC 0.00001.
gnomAD v4.1: 8 of 1,614,170 alleles (0.0005%); highest among the groups gnomAD compares: Non-Finnish European, 0.00059%; no homozygotes.

Submissions (6):

Labcorp Genetics (formerly Invitae), Labcorp
Classification: Uncertain significance for Ataxia-telangiectasia syndrome. Last evaluated: 2026-02-01. Review status: criteria provided, single submitter. Criteria: Invitae Variant Classification Sherloc (09022015). Collection method: clinical testing. Allele origin: germline.
Comment: This sequence change replaces isoleucine, which is neutral and non-polar, with valine, which is neutral and non-polar, at codon 490 of the ATM protein (p.Ile490Val). This variant is present in population databases (rs761850075, gnomAD 0.0009%). This variant has not been reported in the literature in individuals affected with ATM-related conditions. ClinVar contains an entry for this variant (Variation ID: 236673). Invitae Evidence Modeling of protein sequence and biophysical properties (such as structural, functional, and spatial information, amino acid conservation, physicochemical variation, residue mobility, and thermodynamic stability) indicates that this missense variant is not expected to disrupt ATM protein function with a negative predictive value of 95%. In summary, the available evidence is currently insufficient to determine the role of this variant in disease. Therefore, it has been classified as a Variant of Uncertain Significance.

Color Diagnostics, LLC DBA Color Health
Classification: Likely benign for Hereditary cancer-predisposing syndrome. Last evaluated: 2025-10-06. Review status: criteria provided, single submitter. Criteria: ACMG Guidelines, 2015. Collection method: clinical testing. Allele origin: germline.

Department of Pathology and Laboratory Medicine, Sinai Health System
Classification: Uncertain significance for ATM-related cancer predisposition. Last evaluated: 2025-02-20. Review status: criteria provided, single submitter. Criteria: ACMG Guidelines, 2015. Collection method: clinical testing. Allele origin: germline.

Ambry Genetics
Classification: Likely benign for Hereditary cancer-predisposing syndrome. Last evaluated: 2024-08-30. Review status: criteria provided, single submitter. Criteria: Ambry Variant Classification Scheme 2023. Collection method: clinical testing. Allele origin: germline.

Baylor Genetics
Classification: Uncertain significance for Familial cancer of breast. Last evaluated: 2023-08-09. Review status: criteria provided, single submitter. Criteria: ACMG Guidelines, 2015. Collection method: clinical testing. Allele origin: unknown.

Natera, Inc.
Classification: Uncertain significance for Ataxia-telangiectasia. Last evaluated: 2020-09-16. Review status: no assertion criteria provided. Collection method: clinical testing. Allele origin: germline. Not counted in ClinVar's aggregate classification.

Literature cited by the submitters: PubMed 33471991 (cited by Department of Pathology and Laboratory Medicine, Sinai Health System); PubMed 32658311 (cited by Ambry Genetics).